The following is an entry in ClinVar:

NM_000264.5(PTCH1):c.2034del (p.Ala679fs)

Genes: PTCH1 (patched 1; minus strand), LOC100507346 (uncharacterized LOC100507346; plus strand). Cytogenetic location: 9q22.32.
Variant type: Deletion.
Coding change: c.2034del on transcript NM_000264.5 (MANE Select); coding-DNA position 2034, one base deleted (C; older notation c.2034delC).
Protein change: p.Ala679fs; shifts the reading frame from alanine 679.
Molecular consequence: frameshift variant. On other transcripts: non-coding transcript variant (2).
Genome position (GRCh38, 1-based): chr9:95,468,967, G deleted on the plus strand (C on the coding strand, the reverse complement: PTCH1 is on the minus strand); the first of 2 consecutive G bases (chr9:95,468,967-95,468,968); deleting either gives the same sequence. VCF-style (leftmost placement, unchanged base first): chr9-95468966-CG-C. GRCh37 (hg19) VCF-style: chr9-98231248-CG-C.
Other names: c.1836del, p.Ala613fs (NM_001083602.3); c.2031del, p.Ala678fs (NM_001083603.3); c.1581del, p.Ala528fs (NM_001083604.3, NM_001083605.3, NM_001083606.3 and 1 more transcripts); c.1878del, p.Ala627fs (NM_001354918.2); c.2034delC (NM_000264.3); short protein forms A528fs, A679fs, A613fs, A627fs, A678fs.
Identifiers: ClinVar variation 4675851 (VCV004675851.1).

ClinVar aggregate classification (germline): Pathogenic (1 of 4 stars; one submission).

Conditions:
Hereditary cancer-predisposing syndrome. Also called: Neoplastic Syndromes, Hereditary; Tumor predisposition; Hereditary Cancer Syndrome; Hereditary neoplastic syndrome. Identifiers: Orphanet 140162, MedGen C0027672, MeSH D009386, MONDO:0015356.

Submission:

Ambry Genetics
Classification: Pathogenic for Hereditary cancer-predisposing syndrome. Last evaluated: 2025-10-31. Review status: criteria provided, single submitter. Criteria: Ambry Variant Classification Scheme 2023. Collection method: clinical testing. Allele origin: germline.
Comment: The c.2034delC pathogenic mutation, located in coding exon 14 of the PTCH1 gene, results from a deletion of one nucleotide at nucleotide position 2034, causing a translational frameshift with a predicted alternate stop codon (p.A679Lfs*14). This variant was reported in individual(s) with features consistent with PTCH1-related nevoid basal cell carcinoma syndrome (Ambry internal data). This variant is considered to be rare based on population cohorts in the Genome Aggregation Database (gnomAD). This alteration is expected to result in loss of function by premature protein truncation or nonsense-mediated mRNA decay. As such, this alteration is interpreted as a disease-causing mutation.